The following is an entry in ClinVar:

NM_001267550.2(TTN):c.2494-16C>T

Gene: TTN (titin; minus strand). Cytogenetic location: 2q31.2.
Variant type: single nucleotide variant.
Coding change: c.2494-16C>T on transcript NM_001267550.2 (MANE Select); 16 bases into the intron before coding-DNA position 2494, C replaced by T.
Molecular consequence: intron variant.
Genome position (GRCh38, 1-based): chr2:178,784,367, G>A on the plus strand (C>T on the coding strand, the complement: TTN is on the minus strand). VCF-style: chr2-178784367-G-A. GRCh37 (hg19) VCF-style: chr2-179649094-G-A.
Other names: c.2356-16C>T (NM_003319.4, NM_133437.4, NM_133432.3); c.2494-16C>T (NM_133378.4, NM_001256850.1, NM_133379.5).
Identifiers: ClinVar variation 1572156 (VCV001572156.9), dbSNP rs532479339, ClinGen allele CA2005803.

ClinVar aggregate classification (germline): Likely benign. Review status: criteria provided, multiple submitters, no conflicts (2 of 4 stars). 2 submissions from 2 submitters: Likely benign (2). Last evaluated 2025-04-14.

Conditions:
Dilated cardiomyopathy 1G (CMD1G). Identifiers: Orphanet 154, MedGen C1858763, MONDO:0011400, OMIM 604145.
Autosomal recessive limb-girdle muscular dystrophy type 2J (LGMDR10). Also called: MUSCULAR DYSTROPHY, LIMB-GIRDLE, AUTOSOMAL RECESSIVE 10; Limb-girdle muscular dystrophy, type 2J. Identifiers: Orphanet 140922, MedGen C1837342, MONDO:0012127, OMIM 608807.

Allele frequency attached by ClinVar (database versions not stated): gnomAD exomes below 0.00001; ExAC 0.00001; gnomAD 0.00001; TOPMed 0.00002; 1000 Genomes Project 30x 0.00016; 1000 Genomes Project 0.00020.
gnomAD v4.1: 6 of 1,613,662 alleles (0.00037%); highest among the groups gnomAD compares: Admixed American, 0.01%; no homozygotes.

Submissions (2):

Labcorp Genetics (formerly Invitae), Labcorp
Classification: Likely benign for Dilated cardiomyopathy 1G; Autosomal recessive limb-girdle muscular dystrophy type 2J. Last evaluated: 2025-04-14. Review status: criteria provided, single submitter. Criteria: Invitae Variant Classification Sherloc (09022015). Collection method: clinical testing. Allele origin: germline.

Women's Health and Genetics/Laboratory Corporation of America, LabCorp
Classification: Likely benign. Last evaluated: 2024-01-30. Review status: criteria provided, single submitter. Criteria: LabCorp Variant Classification Summary - May 2015. Collection method: clinical testing. Allele origin: germline.
Comment: Variant summary: TTN c.2494-16C>T alters a non-conserved nucleotide located at a position not widely known to affect splicing. Consensus agreement among computational tools predict no significant impact on normal splicing. However, these predictions have yet to be confirmed by functional studies. The variant allele was found at a frequency of 4e-06 in 247514 control chromosomes (gnomAD). The available data on variant occurrences in the general population are insufficient to allow any conclusion about variant significance. To our knowledge, no occurrence of c.2494-16C>T in individuals affected with Limb-Girdle Muscular Dystrophy, Type 2J or other TTN-related disorders and no experimental evidence demonstrating its impact on protein function have been reported. ClinVar contains an entry for this variant (Variation ID: 1572156). Based on the evidence outlined above, the variant was classified as likely benign.